The following is an entry in ClinVar:

ClinVar aggregate classification (germline): Likely benign (0 of 4 stars; one submission).

Conditions:
LMBR1-related disorder. Also called: LMBR1-related condition.

Allele frequency attached by ClinVar (database versions not stated): gnomAD 0.00148; 1000 Genomes Project 0.00160; TOPMed 0.00170; 1000 Genomes Project 30x 0.00172.

Submission:

PreventionGenetics, part of Exact Sciences
Classification: Likely benign for LMBR1-related condition. Last evaluated: 2023-07-30. Review status: no assertion criteria provided. Collection method: clinical testing. Allele origin: germline.
Comment: This variant is classified as likely benign based on ACMG/AMP sequence variant interpretation guidelines (Richards et al. 2015 PMID: 25741868, with internal and published modifications).

NM_022458.4(LMBR1):c.423+4149G>A

Genes: LMBR1 (limb development membrane protein 1; minus strand), ZRS (ZPA regulatory sequence; plus strand). Cytogenetic location: 7q36.3.
Variant type: single nucleotide variant.
Coding change: c.423+4149G>A on transcript NM_022458.4 (MANE Select); 4149 bases into the intron after coding-DNA position 423, G replaced by A.
Molecular consequence: intron variant.
Genome position (GRCh38, 1-based): chr7:156,792,240, C>T on the plus strand (G>A on the coding strand, the complement: LMBR1 is on the minus strand). VCF-style: chr7-156792240-C-T. GRCh37 (hg19) VCF-style: chr7-156584934-C-T.
Other names: c.360+4149G>A (NM_001363412.2); c.144+4149G>A (NM_001350954.2); c.423+4149G>A (NM_001363410.2, NM_001363409.2, NM_001350953.2); c.-112+4149G>A (NM_001350958.2, NM_001350956.2, NM_001350955.2 and 1 more transcripts); c.54+4149G>A (NM_001350957.2, NM_001363411.2).
Identifiers: ClinVar variation 3039350 (VCV003039350.2), dbSNP rs143004276, ClinGen allele CA169823544.